The following is an entry in ClinVar:

ClinVar aggregate classification (germline): Uncertain significance (1 of 4 stars; one submission).

Conditions:
Cardiovascular phenotype. Identifiers: MedGen CN230736.
Hereditary cancer-predisposing syndrome. Also called: Hereditary Cancer Syndrome; Hereditary neoplastic syndrome; Neoplastic Syndromes, Hereditary; Tumor predisposition. Identifiers: Orphanet 140162, MedGen C0027672, MeSH D009386, MONDO:0015356.

Submission:

Ambry Genetics
Classification: Uncertain significance for Cardiovascular phenotype; Hereditary cancer-predisposing syndrome. Last evaluated: 2019-08-26. Review status: criteria provided, single submitter. Criteria: Ambry Variant Classification Scheme 2023. Collection method: clinical testing. Allele origin: germline.
Comment: The p.T522I variant (also known as c.1565C>T), located in coding exon 14 of the NF1 gene, results from a C to T substitution at nucleotide position 1565. The threonine at codon 522 is replaced by isoleucine, an amino acid with similar properties. This amino acid position is highly conserved in available vertebrate species. In addition, this alteration is predicted to be tolerated by in silico analysis. Since supporting evidence is limited at this time, the clinical significance of this alteration remains unclear.

NM_001042492.3(NF1):c.1565C>T (p.Thr522Ile)

Gene: NF1 (neurofibromin 1; plus strand). Cytogenetic location: 17q11.2.
Variant type: single nucleotide variant.
Coding change: c.1565C>T on transcript NM_001042492.3 (MANE Select); coding-DNA position 1565, C replaced by T.
Protein change: p.Thr522Ile; replaces threonine 522 with isoleucine.
Molecular consequence: missense variant.
Genome position (GRCh38, 1-based): chr17:31,219,042, C>T. VCF-style: chr17-31219042-C-T. GRCh37 (hg19) VCF-style: chr17-29546060-C-T.
Other names: c.1565C>T, p.Thr522Ile (NM_000267.4, NM_001128147.3); short protein forms T522I.
Identifiers: ClinVar variation 1775353 (VCV001775353.2), dbSNP rs2143986177, ClinGen allele CA399001894.
Genomic context (GRCh38, chr17:31,219,042, plus strand): 5'-AAGTTTCCTTTTTTTCCTTGCAGAATCCAAGAAAACAGGGGCCCGAAACCCAAGGCAGTA[C>T]AGCAGAATTAATTACAGGGCTCGTCCAACTGGTCCCTCAGTCACACATGCCAGAGATTGC-3'
Protein context (NP_001035957.1, residues 512-532): RKQGPETQGS[Thr522Ile]AELITGLVQL